The following is an entry in ClinVar:

NM_001040108.2(MLH3):c.3370G>C (p.Asp1124His)

Gene: MLH3 (mutL homolog 3; minus strand). Cytogenetic location: 14q24.3.
Variant type: single nucleotide variant.
Coding change: c.3370G>C on transcript NM_001040108.2 (MANE Select); coding-DNA position 3370, G replaced by C.
Protein change: p.Asp1124His; replaces aspartic acid 1124 with histidine.
Molecular consequence: missense variant.
Genome position (GRCh38, 1-based): chr14:75,042,388, C>G on the plus strand (G>C on the coding strand, the complement: MLH3 is on the minus strand). VCF-style: chr14-75042388-C-G. GRCh37 (hg19) VCF-style: chr14-75509091-C-G.
Other names: c.3370G>C, p.Asp1124His (NM_014381.3); short protein forms D1124H.
Identifiers: ClinVar variation 3232539 (VCV003232539.1), dbSNP rs2503219514, ClinGen allele CA390431700.

ClinVar aggregate classification (germline): Uncertain significance (1 of 4 stars; one submission).

Submission:

Ambry Genetics
Classification: Uncertain significance. Last evaluated: 2023-10-16. Review status: criteria provided, single submitter. Criteria: Ambry Variant Classification Scheme 2023. Collection method: clinical testing. Allele origin: germline.
Comment: The p.D1124H variant (also known as c.3370G>C), located in coding exon 2 of the MLH3 gene, results from a G to C substitution at nucleotide position 3370. The aspartic acid at codon 1124 is replaced by histidine, an amino acid with similar properties. This amino acid position is conserved. In addition, this alteration is predicted to be tolerated by in silico analysis. Since supporting evidence is limited at this time, the clinical significance of this alteration remains unclear.